The following is an entry in ClinVar:

NM_001083962.2(TCF4):c.1237G>C (p.Gly413Arg)

Gene: TCF4 (transcription factor 4; minus strand). Cytogenetic location: 18q21.2.
Variant type: single nucleotide variant.
Coding change: c.1237G>C on transcript NM_001083962.2 (MANE Select); coding-DNA position 1237, G replaced by C.
Protein change: p.Gly413Arg; replaces glycine 413 with arginine.
Molecular consequence: missense variant.
Genome position (GRCh38, 1-based): chr18:55,254,610, C>G on the plus strand (G>C on the coding strand, the complement: TCF4 is on the minus strand). VCF-style: chr18-55254610-C-G. GRCh37 (hg19) VCF-style: chr18-52921841-C-G.
Other names: c.1543G>C, p.Gly515Arg (NM_001243226.3); c.1165G>C, p.Gly389Arg (NM_001243227.2, NM_001306207.1, NM_001348217.1 and 5 more transcripts); c.1255G>C, p.Gly419Arg (NM_001243228.2); c.1228G>C, p.Gly410Arg (NM_001243230.2); c.1111G>C, p.Gly371Arg (NM_001243231.2, NM_001348211.2); c.1024G>C, p.Gly342Arg (NM_001243232.1, NM_001306208.1); c.847G>C, p.Gly283Arg (NM_001243233.2, NM_001330605.3, NM_001348212.2 and 1 more transcripts); c.757G>C, p.Gly253Arg (NM_001243234.2, NM_001243235.2, NM_001243236.2 and 1 more transcripts); and 6 more; short protein forms G342R, G283R, G413R, G252R, G253R, G371R, G388R, G389R.
Identifiers: ClinVar variation 1385288 (VCV001385288.9), dbSNP rs768214584, ClinGen allele CA8970243.

ClinVar aggregate classification (germline): Uncertain significance. Review status: criteria provided, multiple submitters, no conflicts (2 of 4 stars). 2 submissions from 2 submitters: Uncertain significance (2). Last evaluated 2024-10-17.

Conditions:
Pitt-Hopkins syndrome (PTHS). Also called: ENCEPHALOPATHY, SEVERE EPILEPTIC, WITH AUTONOMIC DYSFUNCTION; MENTAL RETARDATION, SYNDROMAL, WITH INTERMITTENT HYPERVENTILATION. Identifiers: Orphanet 2896, MedGen C1970431, MONDO:0012589, OMIM 610954.

Allele frequency attached by ClinVar (database versions not stated): gnomAD exomes below 0.00001 and 0.00001; ExAC 0.00001.
gnomAD v4.1: 2 of 1,613,640 alleles (0.00012%); highest among the groups gnomAD compares: Non-Finnish European, 0.00017%; no homozygotes.

Submissions (2):

Labcorp Genetics (formerly Invitae), Labcorp
Classification: Uncertain significance for Pitt-Hopkins syndrome. Last evaluated: 2024-10-17. Review status: criteria provided, single submitter. Criteria: Invitae Variant Classification Sherloc (09022015). Collection method: clinical testing. Allele origin: germline.
Comment: This sequence change replaces glycine, which is neutral and non-polar, with arginine, which is basic and polar, at codon 413 of the TCF4 protein (p.Gly413Arg). This variant is present in population databases (rs768214584, gnomAD 0.0009%). This variant has not been reported in the literature in individuals affected with TCF4-related conditions. ClinVar contains an entry for this variant (Variation ID: 1385288). Invitae Evidence Modeling of protein sequence and biophysical properties (such as structural, functional, and spatial information, amino acid conservation, physicochemical variation, residue mobility, and thermodynamic stability) indicates that this missense variant is not expected to disrupt TCF4 protein function with a negative predictive value of 95%. In summary, the available evidence is currently insufficient to determine the role of this variant in disease. Therefore, it has been classified as a Variant of Uncertain Significance.

Blueprint Genetics
Classification: Uncertain significance. Last evaluated: 2024-09-23. Review status: criteria provided, single submitter. Criteria: ACMG Guidelines, 2015. Collection method: clinical testing. Allele origin: germline.